The following is an entry in ClinVar:

NM_001348323.3(TRIP12):c.6007G>A (p.Gly2003Arg)

Gene: TRIP12 (thyroid hormone receptor interactor 12; minus strand). Cytogenetic location: 2q36.3.
Variant type: single nucleotide variant.
Coding change: c.6007G>A on transcript NM_001348323.3 (MANE Select); coding-DNA position 6007, G replaced by A.
Protein change: p.Gly2003Arg; replaces glycine 2003 with arginine.
Molecular consequence: missense variant.
Genome position (GRCh38, 1-based): chr2:229,768,616, C>T on the plus strand (G>A on the coding strand, the complement: TRIP12 is on the minus strand). VCF-style: chr2-229768616-C-T. GRCh37 (hg19) VCF-style: chr2-230633332-C-T.
Other names: c.5926G>A, p.Gly1976Arg (NM_001284214.2, NM_001348315.2); c.5881G>A, p.Gly1961Arg (NM_001284215.2, NM_001348316.2); c.4972G>A, p.Gly1658Arg (NM_001284216.2); c.5866G>A, p.Gly1956Arg (NM_001348317.1, NM_001348318.2); c.5992G>A, p.Gly1998Arg (NM_001348319.1, NM_001348320.2); c.5995G>A, p.Gly1999Arg (NM_001348321.1); c.6007G>A, p.Gly2003Arg (NM_001348322.1, NM_001348324.2, NM_001348325.2 and 2 more transcripts); c.6010G>A, p.Gly2004Arg (NM_001348328.1, NM_001348329.2, NM_001348330.2); and 4 more; short protein forms G1976R, G1998R, G2004R, G1929R, G1956R, G1969R, G1977R, G1999R.
Identifiers: ClinVar variation 2617653 (VCV002617653.2), dbSNP rs2469755273, ClinGen allele CA350883306.

ClinVar aggregate classification (germline): Uncertain significance (1 of 4 stars; one submission).

Conditions:
Inborn genetic diseases. Identifiers: MedGen C0950123, MeSH D030342.

Submission:

Ambry Genetics
Classification: Uncertain significance for Inborn genetic diseases. Last evaluated: 2023-09-06. Review status: criteria provided, single submitter. Criteria: Ambry Variant Classification Scheme 2023. Collection method: clinical testing. Allele origin: germline.
Comment: The c.5782G>A (p.G1928R) alteration is located in exon 40 (coding exon 39) of the TRIP12 gene. This alteration results from a G to A substitution at nucleotide position 5782, causing the glycine (G) at amino acid position 1928 to be replaced by an arginine (R). However, this change occurs in the last base pair of coding exon39, which makes it likely to have some effect on normal mRNA splicing. This variant was not reported in population-based cohorts in the Genome Aggregation Database (gnomAD). This nucleotide position is highly conserved in available vertebrate species. This amino acid position is highly conserved in available vertebrate species. This missense alteration is located in a region that has a low rate of benign missense variation (Lek, 2016; Firth, 2009).N/A This amino acid alteration is predicted to be deleterious by in silico analysis. In silico splice site analysis predicts that this alteration will weaken the native splice donor site and will result in the creation or strengthening of a novel splice donor site. Based on insufficient or conflicting evidence, the clinical significance of this alteration remains unclear.